The following is an entry in ClinVar:

ClinVar aggregate classification (germline): Conflicting classifications of pathogenicity. Review status: criteria provided, conflicting classifications (1 of 4 stars). 5 submissions from 5 submitters: Uncertain significance (2); Likely benign (3). Last evaluated 2026-10-06.

Conditions:
Hypertrophic cardiomyopathy 14. Identifiers: MedGen C2750467, MONDO:0013197, OMIM 613251.
Cardiovascular phenotype. Identifiers: MedGen CN230736.
MYH6-related disorder. Also called: MYH6-related condition; MYH6-Related Disorders.

Allele frequency attached by ClinVar (database versions not stated): gnomAD exomes 0.00004 and 0.00010; ExAC 0.00017; TOPMed 0.00057; gnomAD 0.00070 and 0.00062; 1000 Genomes Project 0.00060; ESP Exome Variant Server 0.00070; 1000 Genomes Project 30x 0.00047.
gnomAD v4.1: 130 of 1,542,968 alleles (0.0084%); highest among the groups gnomAD compares: African/African-American, 0.21%; no homozygotes.

Submissions (5):

GeneDx
Classification: Uncertain significance. Last evaluated: 2026-10-06. Review status: criteria provided, single submitter. Criteria: GeneDx Variant Classification Process June 2021. Collection method: clinical testing. Allele origin: germline.
Comment: Reported in an individual with an atrioventricular canal defect and a dilated, hypertrabeculated left ventricle who also harbors a second missense variant in the MYH6 gene (PMID: 28991257); In silico analysis supports that this missense variant has a deleterious effect on protein structure/function; This variant is associated with the following publications: (PMID: 34426522, 35621855, 28991257)

Labcorp Genetics (formerly Invitae), Labcorp
Classification: Likely benign for Hypertrophic cardiomyopathy 14. Last evaluated: 2025-12-19. Review status: criteria provided, single submitter. Criteria: Invitae Variant Classification Sherloc (09022015). Collection method: clinical testing. Allele origin: germline.

PreventionGenetics, part of Exact Sciences
Classification: Likely benign for MYH6-related condition. Last evaluated: 2025-07-07. Review status: criteria provided, single submitter. Criteria: ACMG Guidelines, 2015. Collection method: clinical testing. Allele origin: germline.
Comment: This variant is classified as likely benign based on ACMG/AMP sequence variant interpretation guidelines (Richards et al. 2015 PMID: 25741868, with internal and published modifications).

Ambry Genetics
Classification: Likely benign for Cardiovascular phenotype. Last evaluated: 2023-05-22. Review status: criteria provided, single submitter. Criteria: Ambry Variant Classification Scheme 2023. Collection method: clinical testing. Allele origin: germline.

ARUP Laboratories, Molecular Genetics and Genomics, ARUP Laboratories
Classification: Uncertain significance. Last evaluated: 2020-03-18. Review status: criteria provided, single submitter. Criteria: ARUP Molecular Germline Variant Investigation Process. Collection method: clinical testing. Allele origin: germline.
Comment: The MYH6 c.3980C>T; p.Ala1327Val variant (rs148558068) is reported in the literature in an individual affected with congenital heart disease that carried a second MYH6 missense variant in trans (Jin 2017). This variant is found in the African population with an overall allele frequency of 0.29% (39/13276 alleles) in the Genome Aggregation Database. The alanine at codon 1327 is highly conserved, and computational analyses (SIFT, PolyPhen-2) predict that this variant is deleterious. However, due to limited information, the clinical significance of the p.Ala1327Val variant is uncertain at this time. References: Jin SC et al. Contribution of rare inherited and de novo variants in 2,871 congenital heart disease probands. Nat Genet. 2017 Nov;49(11):1593-1601.

Literature cited by the submitters: PubMed 28991257 (cited by Ambry Genetics).

NM_002471.4(MYH6):c.3980C>T (p.Ala1327Val)

Gene: MYH6 (myosin heavy chain 6; minus strand). Cytogenetic location: 14q11.2.
Variant type: single nucleotide variant.
Coding change: c.3980C>T on transcript NM_002471.4 (MANE Select); coding-DNA position 3980, C replaced by T.
Protein change: p.Ala1327Val; replaces alanine 1327 with valine.
Molecular consequence: missense variant.
Genome position (GRCh38, 1-based): chr14:23,389,054, G>A on the plus strand (C>T on the coding strand, the complement: MYH6 is on the minus strand). VCF-style: chr14-23389054-G-A. GRCh37 (hg19) VCF-style: chr14-23858263-G-A.
Other names: short protein forms A1327V.
Identifiers: ClinVar variation 264465 (VCV000264465.31), dbSNP rs148558068, ClinGen allele CA7114959.
Genomic context (GRCh38, chr14:23,389,054, plus strand): 5'-TCCCGCAGCAGGTCGCAGTCATGCCGGGCCGACTGCAGTGCATGGGCCAGGGCGTTCTTC[G>A]CCTGGGGAGGGGGGGGGGCACCAGGAGGTGGGAGGGACTCCCTGTGCCCCATTCTCTAGA-3'
Protein context (NP_002462.2, residues 1317-1337): LKRQLEEEGK[Ala1327Val]KNALAHALQS